The following is an entry in ClinVar:

NM_000540.3(RYR1):c.7360C>T (p.Arg2454Cys)

Gene: RYR1 (ryanodine receptor 1; plus strand). Cytogenetic location: 19q13.2.
Variant type: single nucleotide variant.
Coding change: c.7360C>T on transcript NM_000540.3 (MANE Select); coding-DNA position 7360, C replaced by T.
Protein change: p.Arg2454Cys; replaces arginine 2454 with cysteine.
Molecular consequence: missense variant.
Genome position (GRCh38, 1-based): chr19:38,500,642, C>T. VCF-style: chr19-38500642-C-T. GRCh37 (hg19) VCF-style: chr19-38991282-C-T.
Other names: NM_000540.3(RYR1):c.7360C>T; c.7360C>T, p.Arg2454Cys (NM_001042723.2); short protein forms R2454C.
Identifiers: ClinVar variation 133202 (VCV000133202.67), dbSNP rs193922816, ClinGen allele CA024778.

ClinVar aggregate classification (germline): Pathogenic; drug response. Review status: reviewed by expert panel (3 of 4 stars). 23 submissions from 17 submitters: Pathogenic (1). 15 of the submissions do not count toward it. Last evaluated 2022-03-11.

Conditions:
RYR1-related myopathy. Identifiers: Orphanet 98742, MedGen CN305348, MONDO:0100150.
RYR1-related disorder. Also called: RYR1-related disorders; RYR1-related condition. Identifiers: MedGen CN239331.
Malignant hyperthermia of anesthesia. Also called: Anesthesic-triggered malignant hyperthermia. Identifiers: Orphanet 423, MedGen C0024591, MONDO:0018493, HP:0034733.
Malignant hyperthermia, susceptibility to, 1 (MHS1). Also called: Anesthesia related hyperthermia; Malignant hyperpyrexia; Fulminating hyperpyrexia; Pharmacogenic myopathy; RYR1-Related Malignant Hyperthermia Susceptibility; Malignant hyperthermia suceptibility 1. Identifiers: Orphanet 423, MedGen C2930980, MONDO:0007783, OMIM 145600.
Congenital multicore myopathy with external ophthalmoplegia (CMYO1B). Also called: Minicore myopathy with external ophthalmoplegia; MULTIMINICORE DISEASE WITH EXTERNAL OPHTHALMOPLEGIA; Congenital myopathy 1B, autosomal recessive; Minicore myopathy; MULTICORE MYOPATHY. Identifiers: Orphanet 598, Orphanet 98905, MedGen C1850674, MONDO:0009712, OMIM 255320, HP:0003789.
desflurane response - Toxicity.
enflurane response - Toxicity.
halothane response - Toxicity.
succinylcholine response - Toxicity.
isoflurane response - Toxicity.
methoxyflurane response - Toxicity.
sevoflurane response - Toxicity.

Allele frequency attached by ClinVar (database versions not stated): gnomAD exomes 0.00001 and 0.00002; TOPMed 0.00001; ExAC 0.00001; gnomAD 0.00001.
gnomAD v4.1: 11 of 1,613,650 alleles (0.00068%); highest among the groups gnomAD compares: South Asian, 0.0033%; no homozygotes.

Submissions 1 to 10 of 23:

ClinGen Malignant Hyperthermia Susceptibility Variant Curation Expert Panel, ClinGen
Classification: Pathogenic for Malignant hyperthermia, susceptibility to, 1. Last evaluated: 2022-03-11. Review status: reviewed by expert panel. Criteria: ClinGen MHS ACMG Specifications V2. Collection method: curation. Allele origin: germline. Inheritance: Autosomal dominant inheritance.
Comment: This pathogenicity assessment is relevant only for malignant hyperthermia susceptibility (MHS) inherited in an autosomal dominant pattern. Variants in RYR1 can also cause other myopathies inherited in an autosomal dominant pattern or in an autosomal recessive pattern. Some of these disorders may predispose individuals to malignant hyperthermia. RYR1 variants may also contribute to a malignant hyperthermia reaction in combination with other genetic and non-genetic factors and the clinician needs to consider such factors in making management decisions. This sequence variant predicts a substitution of arginine with cysteine at codon 2454 of the RYR1 protein, p.(Arg2454Cys). The maximum allele frequency for this variant among the six major gnomAD populations is SAS: 0.000065. This variant has been reported in three unrelated individuals who have a personal or family history of a malignant hyperthermia reaction, all of these individuals had a positive in vitro contracture test (IVCT) or caffeine halothane contracture test (CHCT) result (if the proband was unavailable for testing, a positive diagnostic test result in a mutation-positive relative was counted), PS4_Moderate (PMID: 10484775, 10612851, 16163667). This variant segregates with MHS in 3 individuals, PP1 (PMI: 10484775). A functional study in HEK293 cells shows an increased sensitivity to RYR1 agonists, PS3_Moderate (PMID: 27586648). This variant resides in a region of RYR1 considered to be a hotspot for pathogenic variants that contribute to MHS, use PM1_Supporting to avoid overweighting with PM5 (PMID: 21118704). Another variant that has been assessed as pathogenic occurs at this codon, p.(Arg2454His), PM5 (PMID: 26951757). A REVEL score >0.85 (0.913) supports a pathogenic status for this variant, PP3_Moderate. This variant has been classified as Pathogenic. Criteria implemented: PS3_Moderate, PS4_Moderate, PM1_Supporting, PM5, PP1, PP3_Moderate.

ClinPGx
Classification: drug response for desflurane response - Toxicity. Last evaluated: 2021-03-24. Review status: reviewed by expert panel. Criteria: Pharmacogenomics knowledge for personalized medicine. Collection method: curation. Allele origin: germline. Affected: yes.
Comment: PharmGKB Level of Evidence 1A: Level 1A clinical annotations describe variant-drug combinations that have variant-specific prescribing guidance available in a current clinical guideline annotation or an FDA-approved drug label annotation. Annotations of drug labels or clinical guidelines must give prescribing guidance for specific variants (e.g. CYP2C9*3, HLA-B*57:01) or provide mapping from defined allele functions to diplotypes and phenotypes to be used as supporting evidence for a level 1A clinical annotation. Level 1A clinical annotations must also be supported by at least one publication in addition to a clinical guideline or drug label with variant-specific prescribing guidance.

Drug is not necessarily used to treat response condition

ClinPGx
Classification: drug response for enflurane response - Toxicity. Last evaluated: 2021-03-24. Review status: reviewed by expert panel. Criteria: Pharmacogenomics knowledge for personalized medicine. Collection method: curation. Allele origin: germline. Affected: yes.
Comment: the same text as in the submission from ClinPGx above.

ClinPGx
Classification: drug response for halothane response - Toxicity. Last evaluated: 2021-03-24. Review status: reviewed by expert panel. Criteria: Pharmacogenomics knowledge for personalized medicine. Collection method: curation. Allele origin: germline. Affected: yes.
Comment: the same text as in the submission from ClinPGx above.

ClinPGx
Classification: drug response for isoflurane response - Toxicity. Last evaluated: 2021-03-24. Review status: reviewed by expert panel. Criteria: Pharmacogenomics knowledge for personalized medicine. Collection method: curation. Allele origin: germline. Affected: yes.
Comment: the same text as in the submission from ClinPGx above.

ClinPGx
Classification: drug response for methoxyflurane response - Toxicity. Last evaluated: 2021-03-24. Review status: reviewed by expert panel. Criteria: Pharmacogenomics knowledge for personalized medicine. Collection method: curation. Allele origin: germline. Affected: yes.
Comment: the same text as in the submission from ClinPGx above.

ClinPGx
Classification: drug response for sevoflurane response - Toxicity. Last evaluated: 2021-03-24. Review status: reviewed by expert panel. Criteria: Pharmacogenomics knowledge for personalized medicine. Collection method: curation. Allele origin: germline. Affected: yes.
Comment: the same text as in the submission from ClinPGx above.

ClinPGx
Classification: drug response for succinylcholine response - Toxicity. Last evaluated: 2021-03-24. Review status: reviewed by expert panel. Criteria: Pharmacogenomics knowledge for personalized medicine. Collection method: curation. Allele origin: germline. Affected: yes.
Comment: the same text as in the submission from ClinPGx above.

Institute of Immunology and Genetics Kaiserslautern
Classification: Pathogenic for Malignant hyperthermia, susceptibility to, 1. Last evaluated: 2026-03-11. Review status: criteria provided, single submitter. Criteria: ACMG Guidelines, 2015. Collection method: clinical testing. Allele origin: maternal. Not counted in ClinVar's aggregate classification.
Comment: ACMG Criteria: PS3, PS4, PM1, PM2_P, PM5, PP1_M, PM3; Variant was found in heterozygous state.

Labcorp Genetics (formerly Invitae), Labcorp
Classification: Pathogenic for RYR1-related disorder. Last evaluated: 2026-01-09. Review status: criteria provided, single submitter. Criteria: Invitae Variant Classification Sherloc (09022015). Collection method: clinical testing. Allele origin: germline. Not counted in ClinVar's aggregate classification.
Comment: This sequence change replaces arginine, which is basic and polar, with cysteine, which is neutral and slightly polar, at codon 2454 of the RYR1 protein (p.Arg2454Cys). This variant is present in population databases (rs193922816, gnomAD 0.006%). This missense change has been observed in individuals with autosomal dominant malignant hyperthermia (PMID: 10484775, 10612851, 12411788, 16163667). It has also been observed to segregate with disease in related individuals. ClinVar contains an entry for this variant (Variation ID: 133202). Invitae Evidence Modeling of protein sequence and biophysical properties (such as structural, functional, and spatial information, amino acid conservation, physicochemical variation, residue mobility, and thermodynamic stability) indicates that this missense variant is expected to disrupt RYR1 protein function with a positive predictive value of 80%. Experimental studies have shown that this missense change affects RYR1 function (PMID: 16163667, 16958617, 27586648). This variant disrupts the p.Arg2454 amino acid residue in RYR1. Other variant(s) that disrupt this residue have been determined to be pathogenic (PMID: 10051009, 10484775, 15448513, 16163667, 27586648). This suggests that this residue is clinically significant, and that variants that disrupt this residue are likely to be disease-causing. For these reasons, this variant has been classified as Pathogenic.